The following is an entry in ClinVar:

ClinVar aggregate classification (germline): Uncertain significance. Review status: criteria provided, multiple submitters, no conflicts (2 of 4 stars). 2 submissions from 2 submitters: Uncertain significance (2). Last evaluated 2022-04-11.

Conditions:
Intellectual disability, autosomal dominant 14 (CSS2). Also called: COFFIN-SIRIS SYNDROME 2. Identifiers: Orphanet 1465, MedGen C3553247, MONDO:0013819, OMIM 614607.

Allele frequency attached by ClinVar (database versions not stated): gnomAD exomes below 0.00001; TOPMed 0.00001.

Submissions (2):

GeneDx
Classification: Uncertain significance. Last evaluated: 2022-04-11. Review status: criteria provided, single submitter. Criteria: GeneDx Variant Classification Process June 2021. Collection method: clinical testing. Allele origin: germline. Affected: yes.
Comment: Not observed at significant frequency in large population cohorts (gnomAD); In silico analysis supports that this missense variant has a deleterious effect on protein structure/function; Has not been previously published as pathogenic or benign to our knowledge

New York Genome Center
Classification: Uncertain significance for Intellectual disability, autosomal dominant 14. Last evaluated: 2020-06-05. Review status: criteria provided, single submitter. Criteria: NYGC Assertion Criteria 2020. Collection method: clinical testing. Allele origin: inherited. Observed: 1 heterozygote. Study: CSER-NYCKidSeq.

NM_006015.6(ARID1A):c.2194C>A (p.Gln732Lys)

Gene: ARID1A (AT-rich interaction domain 1A; plus strand). Cytogenetic location: 1p36.11.
Variant type: single nucleotide variant.
Coding change: c.2194C>A on transcript NM_006015.6 (MANE Select); coding-DNA position 2194, C replaced by A.
Protein change: p.Gln732Lys; replaces glutamine 732 with lysine.
Molecular consequence: missense variant.
Genome position (GRCh38, 1-based): chr1:26,761,416, C>A. VCF-style: chr1-26761416-C-A. GRCh37 (hg19) VCF-style: chr1-27087907-C-A.
Other names: c.2194C>A, p.Gln732Lys (NM_139135.4); c.2194C>A (NM_006015.4); short protein forms Q732K.
Identifiers: ClinVar variation 1098617 (VCV001098617.3), dbSNP rs1292150071, ClinGen allele CA339154708.